The following is an entry in ClinVar:

NM_001008537.3(NEXMIF):c.2942G>A (p.Gly981Glu)

Gene: NEXMIF (neurite extension and migration factor; minus strand). Cytogenetic location: Xq13.3.
Variant type: single nucleotide variant.
Coding change: c.2942G>A on transcript NM_001008537.3 (MANE Select); coding-DNA position 2942, G replaced by A.
Protein change: p.Gly981Glu; replaces glycine 981 with glutamic acid.
Molecular consequence: missense variant.
Genome position (GRCh38, 1-based): chrX:74,741,615, C>T on the plus strand (G>A on the coding strand, the complement: NEXMIF is on the minus strand). VCF-style: chrX-74741615-C-T. GRCh37 (hg19) VCF-style: chrX-73961450-C-T.
Other names: short protein forms G981E.
Identifiers: ClinVar variation 4845600 (VCV004845600.1).

ClinVar aggregate classification (germline): Uncertain significance (1 of 4 stars; one submission).

gnomAD v4.1: 1 of 1,211,358 alleles (0.000083%); highest among the groups gnomAD compares: Admixed American, 0.0022%; no homozygotes.

Submission:

Greenwood Genetic Center Diagnostic Laboratories, Greenwood Genetic Center
Classification: Uncertain significance. Last evaluated: 2025-10-23. Review status: criteria provided, single submitter. Criteria: ACMG Guidelines, 2015. Collection method: clinical testing. Allele origin: germline. Affected: yes.
Comment: PM2, BP4